The following is an entry in ClinVar:

ClinVar aggregate classification (germline): Uncertain significance. Review status: criteria provided, multiple submitters, no conflicts (2 of 4 stars). 2 submissions from 2 submitters: Uncertain significance (2). Last evaluated 2023-12-22.

Allele frequency attached by ClinVar (database versions not stated): gnomAD exomes below 0.00001 and 0.00001; TOPMed 0.00002.

Submissions (2):

Labcorp Genetics (formerly Invitae), Labcorp
Classification: Uncertain significance. Last evaluated: 2023-12-22. Review status: criteria provided, single submitter. Criteria: Invitae Variant Classification Sherloc (09022015). Collection method: clinical testing. Allele origin: germline.
Comment: This sequence change replaces arginine, which is basic and polar, with glutamine, which is neutral and polar, at codon 82 of the GFER protein (p.Arg82Gln). The frequency data for this variant in the population databases is considered unreliable, as metrics indicate poor data quality at this position in the gnomAD database. This variant has not been reported in the literature in individuals affected with GFER-related conditions. ClinVar contains an entry for this variant (Variation ID: 214475). An algorithm developed to predict the effect of missense changes on protein structure and function (PolyPhen-2) suggests that this variant¬†is likely to be tolerated. In summary, the available evidence is currently insufficient to determine the role of this variant in disease. Therefore, it has been classified as a Variant of Uncertain Significance.

GeneDx
Classification: Uncertain significance. Last evaluated: 2014-06-24. Review status: criteria provided, single submitter. Criteria: GeneDx Variant Classification (06012015). Collection method: clinical testing. Allele origin: germline. Affected: yes.
Comment: p.Arg82Gln (CGG>CAG): c.245 G>A in exon 1 of the GFER gene (NM_005262.2). The R82Q variant has not been published as a mutation, nor has it been reported as a benign polymorphism to our knowledge. The R82Q variant was not observed in approximately 5200 individuals of European and African American ancestry in the NHLBI Exome Sequencing Project, indicating it is not a common benign variant in these populations. The R82Q variant is a semi-conservative amino acid substitution, which may impact secondary protein structure as these residues differ in some properties. This substitution occurs at a position that is conserved in mammals. In silico analysis predicts this variant likely does not alter the protein structure/function. Therefore, based on the currently available information, it is unclear whether this variant is a pathogenic mutation or a rare benign variant. The variant is found in MITONUC-MITOP panel(s).

NM_005262.3(GFER):c.245G>A (p.Arg82Gln)

Genes: GFER (growth factor, augmenter of liver regeneration; plus strand), LOC130058203 (ATAC-STARR-seq lymphoblastoid silent region 7014; plus strand). Cytogenetic location: 16p13.3.
Variant type: single nucleotide variant.
Coding change: c.245G>A on transcript NM_005262.3 (MANE Select); coding-DNA position 245, G replaced by A.
Protein change: p.Arg82Gln; replaces arginine 82 with glutamine.
Molecular consequence: missense variant.
Genome position (GRCh38, 1-based): chr16:1,984,463, G>A. VCF-style: chr16-1984463-G-A. GRCh37 (hg19) VCF-style: chr16-2034464-G-A.
Other names: p.R82Q:CGG>CAG; short protein forms R82Q.
Identifiers: ClinVar variation 214475 (VCV000214475.6), dbSNP rs863224027, ClinGen allele CA322695.